The following is an entry in ClinVar:

NM_014874.4(MFN2):c.382C>T (p.His128Tyr)

Gene: MFN2 (mitofusin 2; plus strand). Cytogenetic location: 1p36.22.
Variant type: single nucleotide variant.
Coding change: c.382C>T on transcript NM_014874.4 (MANE Select); coding-DNA position 382, C replaced by T.
Protein change: p.His128Tyr; replaces histidine 128 with tyrosine.
Molecular consequence: missense variant.
Genome position (GRCh38, 1-based): chr1:11,996,226, C>T. VCF-style: chr1-11996226-C-T. GRCh37 (hg19) VCF-style: chr1-12056283-C-T.
Other names: c.382C>T, p.His128Tyr (NM_001127660.2); short protein forms H128Y.
Identifiers: ClinVar variation 1193107 (VCV001193107.11), dbSNP rs2100822486, ClinGen allele CA338434489.

ClinVar aggregate classification (germline): Pathogenic/Likely pathogenic. Review status: criteria provided, multiple submitters, no conflicts (2 of 4 stars). 5 submissions from 5 submitters: Pathogenic (2); Likely pathogenic (3). Last evaluated 2026-01-14.

Conditions:
Charcot-Marie-Tooth disease type 2. Also called: Charcot-Marie-Tooth type 2. Identifiers: Orphanet 64746, MedGen C0270914, MONDO:0018993.
Charcot-Marie-Tooth disease type 2A2. Also called: CHARCOT-MARIE-TOOTH DISEASE, AXONAL, AUTOSOMAL DOMINANT, TYPE 2A2A; CHARCOT-MARIE-TOOTH DISEASE, AXONAL, TYPE 2A2; CHARCOT-MARIE-TOOTH DISEASE, NEURONAL, TYPE 2A2; HEREDITARY MOTOR AND SENSORY NEUROPATHY IIA2; HMSN IIA2; Charcot-Marie-Tooth Neuropathy Type 2A2. Identifiers: Orphanet 99947, MedGen C4721887, MONDO:0012231, OMIM 609260.

Submissions (5):

Variantyx, Inc.
Classification: Likely pathogenic for Charcot-Marie-Tooth disease type 2A2. Last evaluated: 2026-01-14. Review status: criteria provided, single submitter. Criteria: Variantyx Assertion Criteria 2022. Collection method: clinical testing. Allele origin: germline. Inheritance: Autosomal dominant inheritance. Affected: yes.
Comment: This is a nonsynonymous variant in the MFN2 gene (OMIM: 608507). Pathogenic variants in this gene have been associated with autosomal dominant axonal Charcot-Marie-Tooth disease type 2A2A. This variant has been reported in at least two unrelated affected individual(s) (PMID: 28660751) (PS4_Moderate). Functional studies have shown that this variant alters MFN2 protein function (PMID: 27859025) (PS3) and multiple computational algorithms predict a deleterious effect for this variant (REVEL score: 0.942) (PP3). This variant lies within a known hotspot for pathogenic variants or a well-established critical functional domain of the MFN2 protein (PMID: 26306937) (PM1). This variant is absent from control populations (PM2). Based on the current evidence, this variant is classified as likely pathogenic for autosomal dominant axonal Charcot-Marie-Tooth disease type 2A2A. Inheritance from an unaffected or mildly affected parent has been reported in the MFN2 gene, consistent with incomplete penetrance and/or variable expressivity (PMID: 20301684).

Women's Health and Genetics/Laboratory Corporation of America, LabCorp
Classification: Likely pathogenic for Charcot-Marie-Tooth disease type 2A2. Last evaluated: 2024-10-16. Review status: criteria provided, single submitter. Criteria: LabCorp Variant Classification Summary - May 2015. Collection method: clinical testing. Allele origin: germline.
Comment: Variant summary: MFN2 c.382C>T (p.His128Tyr) results in a conservative amino acid change located in the Dynamin-type guanine nucleotide-binding (G) domain (IPR030381) of the encoded protein sequence. Four of five in-silico tools predict a damaging effect of the variant on protein function. The variant was absent in 251476 control chromosomes. c.382C>T has been reported in the literature in individuals affected with or with clinically suspected Charcot-Marie Disease, including as a heterozygous genotype (e.g. Ando_2017, Labcorp (formerly Invitae)). These data indicate that the variant may be associated with disease. At least one publication reports experimental evidence evaluating an impact on protein function, showing decreases in number of mitochondria, mitochondrial ATP levels, and mitochondrial mobility in CMT patient iPSC-derived motor neurons (e.g. Ohara_2017). ClinVar contains an entry for this variant (Variation ID: 1193107). Based on the evidence outlined above, the variant was classified as likely pathogenic.

Labcorp Genetics (formerly Invitae), Labcorp
Classification: Pathogenic for Charcot-Marie-Tooth disease type 2. Last evaluated: 2021-09-01. Review status: criteria provided, single submitter. Criteria: Invitae Variant Classification Sherloc (09022015). Collection method: clinical testing. Allele origin: germline.
Comment: ClinVar contains an entry for this variant (Variation ID: 1193107). This sequence change replaces histidine with tyrosine at codon 128 of the MFN2 protein (p.His128Tyr). The histidine residue is highly conserved and there is a moderate physicochemical difference between histidine and tyrosine. This variant is not present in population databases (ExAC no frequency). This missense change has been observed in individuals with autosomal dominant Charcot-Marie-Tooth disease or its clinical features (PMID: 28660751; Invitae). Advanced modeling of protein sequence and biophysical properties (such as structural, functional, and spatial information, amino acid conservation, physicochemical variation, residue mobility, and thermodynamic stability) performed at Invitae indicates that this missense variant is expected to disrupt MFN2 protein function. This variant disrupts the p.His128 amino acid residue in MFN2. Other variant(s) that disrupt this residue have been observed in individuals with MFN2-related conditions (PMID: 20008656), which suggests that this may be a clinically significant amino acid residue. For these reasons, this variant has been classified as Pathogenic.

Athena Diagnostics
Classification: Likely pathogenic. Last evaluated: 2021-08-26. Review status: criteria provided, single submitter. Criteria: Athena Diagnostics Criteria. Collection method: clinical testing. Allele origin: unknown.
Comment: This variant has not been reported in large, multi-ethnic general populations. This variant has been identified in at least one individual with clinical features associated with this gene. At least one other missense variant at this codon is considered to be pathogenic or likely pathogenic, suggesting this variant may also cause disease. Computational tools predict that this variant is damaging. The variant is located in a region that is considered important for protein function and/or structure.

GeneDx
Classification: Pathogenic. Last evaluated: 2019-10-01. Review status: criteria provided, single submitter. Criteria: GeneDx Variant Classification Process June 2021. Collection method: clinical testing. Allele origin: germline. Affected: yes.
Comment: In silico analysis, which includes protein predictors and evolutionary conservation, supports a deleterious effect; Not observed in large population cohorts (Lek et al., 2016); This variant is associated with the following publications: (PMID: 28660751, 27859025)

Literature cited by the submitters: PubMed 28660751 (cited by 4 submitters); PubMed 27859025 (cited by 3 submitters); PubMed 26306937 (cited by Variantyx, Inc.); PubMed 20008656 (cited by Labcorp Genetics (formerly Invitae), Labcorp).